The following is an entry in ClinVar:

ClinVar aggregate classification (germline): Conflicting classifications of pathogenicity. Review status: criteria provided, conflicting classifications (1 of 4 stars). 5 submissions from 5 submitters: Uncertain significance (3); Likely benign (1). 1 of the submissions does not count toward it. Last evaluated 2025-10-23.

Conditions:
NF1-related disorder. Also called: NF1-related condition. Identifiers: MedGen CN379171.
Cardiovascular phenotype. Identifiers: MedGen CN230736.
Hereditary cancer-predisposing syndrome. Also called: Hereditary neoplastic syndrome; Neoplastic Syndromes, Hereditary; Tumor predisposition; Hereditary Cancer Syndrome. Identifiers: Orphanet 140162, MedGen C0027672, MeSH D009386, MONDO:0015356.
Neurofibromatosis, type 1 (NF1). Also called: VON RECKLINGHAUSEN DISEASE; Peripheral type neurofibromatosis; NEUROFIBROMATOSIS, TYPE I, SOMATIC; Neurofibromatosis, type I. Identifiers: Orphanet 636, MedGen C0027831, MONDO:0018975, OMIM 162200. Disease mechanism: loss of function.

Allele frequency attached by ClinVar (database versions not stated): gnomAD exomes below 0.00001; TOPMed 0.00001.
gnomAD v4.1: 2 of 1,613,220 alleles (0.00012%); highest among the groups gnomAD compares: South Asian, 0.0011%; no homozygotes.

Submissions (5):

Labcorp Genetics (formerly Invitae), Labcorp
Classification: Likely benign for Neurofibromatosis, type 1. Last evaluated: 2025-10-23. Review status: criteria provided, single submitter. Criteria: Invitae Variant Classification Sherloc (09022015). Collection method: clinical testing. Allele origin: germline.

Women's Health and Genetics/Laboratory Corporation of America, LabCorp
Classification: Uncertain significance. Last evaluated: 2025-09-11. Review status: criteria provided, single submitter. Criteria: LabCorp Variant Classification Summary - May 2015. Collection method: clinical testing. Allele origin: germline.
Comment: Variant summary: NF1 c.6641+4T>C alters a conserved nucleotide located close to a canonical splice site and therefore could affect mRNA splicing, leading to a significantly altered protein sequence. Consensus agreement among computation tools predict no significant impact on normal splicing. However, these predictions have yet to be confirmed by functional studies. The variant was absent in 250812 control chromosomes. The available data on variant occurrences in the general population are insufficient to allow any conclusion about variant significance. To our knowledge, no occurrence of c.6641+4T>C in individuals affected with NF1-related conditions and no experimental evidence demonstrating its impact on protein function have been reported. ClinVar contains an entry for this variant (Variation ID: 480166). Based on the evidence outlined above, the variant was classified as uncertain significance.

Ambry Genetics
Classification: Uncertain significance for Cardiovascular phenotype; Hereditary cancer-predisposing syndrome. Last evaluated: 2024-08-27. Review status: criteria provided, single submitter. Criteria: Ambry Variant Classification Scheme 2023. Collection method: clinical testing. Allele origin: germline.
Comment: The c.6641+4T>C intronic variant results from a T to C substitution 4 nucleotides after coding exon 43 in the NF1 gene. This nucleotide position is not well conserved in available vertebrate species. In silico splice site analysis predicts that this alteration will not have any significant effect on splicing. RNA studies have demonstrated that this alteration does not result in abnormal splicing in the set of samples tested (Ambry internal data). Based on the available evidence, the clinical significance of this variant remains unclear.

Genome-Nilou Lab
Classification: Uncertain significance for Neurofibromatosis, type 1. Last evaluated: 2022-03-15. Review status: criteria provided, single submitter. Criteria: ACMG Guidelines, 2015. Collection method: clinical testing. Allele origin: germline. Affected: no.

PreventionGenetics, part of Exact Sciences
Classification: Likely benign for NF1-related condition. Last evaluated: 2023-06-07. Review status: no assertion criteria provided. Collection method: clinical testing. Allele origin: germline. Not counted in ClinVar's aggregate classification.
Comment: This variant is classified as likely benign based on ACMG/AMP sequence variant interpretation guidelines (Richards et al. 2015 PMID: 25741868, with internal and published modifications).

NM_001042492.3(NF1):c.6704+4T>C

Gene: NF1 (neurofibromin 1; plus strand). Cytogenetic location: 17q11.2.
Variant type: single nucleotide variant.
Coding change: c.6704+4T>C on transcript NM_001042492.3 (MANE Select); 4 bases into the intron after coding-DNA position 6704, T replaced by C.
Molecular consequence: intron variant.
Genome position (GRCh38, 1-based): chr17:31,337,884, T>C. VCF-style: chr17-31337884-T-C. GRCh37 (hg19) VCF-style: chr17-29664902-T-C.
Other names: c.6641+4T>C (NM_000267.4); c.6704+4T>C (NM_001042492.2).
Identifiers: ClinVar variation 480166 (VCV000480166.19), dbSNP rs1555534930, ClinGen allele CA658658587.